The following is an entry in ClinVar:

NM_001009944.3(PKD1):c.6913C>T (p.Gln2305Ter)

Gene: PKD1 (polycystin 1, transient receptor potential channel interacting; minus strand). Cytogenetic location: 16p13.3.
Variant type: single nucleotide variant.
Coding change: c.6913C>T on transcript NM_001009944.3 (MANE Select); coding-DNA position 6913, C replaced by T.
Protein change: p.Gln2305Ter; replaces glutamine 2305 with a stop codon.
Molecular consequence: nonsense.
Genome position (GRCh38, 1-based): chr16:2,108,254, G>A on the plus strand (C>T on the coding strand, the complement: PKD1 is on the minus strand). VCF-style: chr16-2108254-G-A. GRCh37 (hg19) VCF-style: chr16-2158255-G-A.
Other names: c.6913C>T, p.Gln2305Ter (NM_000296.4); short protein forms Q2305*.
Identifiers: ClinVar variation 419272 (VCV000419272.2), dbSNP rs1064793762, ClinGen allele CA16620109.

ClinVar aggregate classification (germline): Pathogenic (1 of 4 stars; one submission).

Submission:

GeneDx
Classification: Pathogenic. Last evaluated: 2025-12-01. Review status: criteria provided, single submitter. Criteria: GeneDx Variant Classification Process June 2021. Collection method: clinical testing. Allele origin: germline. Affected: yes.
Comment: Nonsense variant predicted to result in protein truncation or nonsense mediated decay in a gene for which loss of function is a known mechanism of disease; Not observed at significant frequency in large population cohorts (gnomAD); This variant is associated with the following publications: (PMID: 26150605, 31740684, 33639313)